The following is an entry in ClinVar:

NM_001193315.2(VIPAS39):c.487C>T (p.Arg163Cys)

Gene: VIPAS39 (VPS33B interacting protein, apical-basolateral polarity regulator, spe-39 homolog; minus strand). Cytogenetic location: 14q24.3.
Variant type: single nucleotide variant.
Coding change: c.487C>T on transcript NM_001193315.2 (MANE Select); coding-DNA position 487, C replaced by T.
Protein change: p.Arg163Cys; replaces arginine 163 with cysteine.
Molecular consequence: missense variant. On other transcripts: non-coding transcript variant (1).
Genome position (GRCh38, 1-based): chr14:77,448,511, G>A on the plus strand (C>T on the coding strand, the complement: VIPAS39 is on the minus strand). VCF-style: chr14-77448511-G-A. GRCh37 (hg19) VCF-style: chr14-77914854-G-A.
Other names: c.487C>T, p.Arg163Cys (NM_001193314.2, NM_001193317.2, NM_001400326.1 and 11 more transcripts); c.340C>T, p.Arg114Cys (NM_001193316.2, NM_001400324.1, NM_001400325.1 and 1 more transcripts); c.487C>T (NM_022067.3); short protein forms R163C, R114C.
Identifiers: ClinVar variation 2465445 (VCV002465445.4), dbSNP rs539071080, ClinGen allele CA7288080.

ClinVar aggregate classification (germline): Uncertain significance. Review status: criteria provided, single submitter (1 of 4 stars). 2 submissions from 2 submitters: Uncertain significance (1). 1 of the submissions does not count toward it. Last evaluated 2023-01-10.

Conditions:
Inborn genetic diseases. Identifiers: MedGen C0950123, MeSH D030342.
VIPAS39-related disorder. Also called: VIPAS39-related condition.

Allele frequency attached by ClinVar (database versions not stated): gnomAD exomes 0.00003; TOPMed 0.00004; gnomAD 0.00005; ExAC 0.00008; 1000 Genomes Project 30x 0.00016; 1000 Genomes Project 0.00020.

Submissions (2):

Ambry Genetics
Classification: Uncertain significance for Inborn genetic diseases. Last evaluated: 2023-01-10. Review status: criteria provided, single submitter. Criteria: Ambry Variant Classification Scheme 2023. Collection method: clinical testing. Allele origin: germline.

PreventionGenetics, part of Exact Sciences
Classification: Uncertain significance for VIPAS39-related condition. Last evaluated: 2024-01-12. Review status: no assertion criteria provided. Collection method: clinical testing. Allele origin: germline. Not counted in ClinVar's aggregate classification.
Comment: The VIPAS39 c.487C>T variant is predicted to result in the amino acid substitution p.Arg163Cys. To our knowledge, this variant has not been reported in the literature. This variant is reported in 0.11% of alleles in individuals of East Asian descent in gnomAD. This variant could be benign. At this time, the clinical significance of this variant is uncertain due to the absence of conclusive functional and genetic evidence.